The following is an entry in ClinVar:

ClinVar aggregate classification (germline): Uncertain significance (1 of 4 stars; one submission).

Conditions:
Autosomal recessive early-onset Parkinson disease 6 (PARK6). Also called: PINK1-Related Parkinson Disease; PARKINSON DISEASE 6, MODIFIER OF; PINK1 Type of Young-Onset Parkinson Disease; PARKINSON DISEASE 6, EARLY-ONSET. Identifiers: Orphanet 2828, MedGen C1853833, MONDO:0011613, OMIM 605909.

Allele frequency attached by ClinVar (database versions not stated): gnomAD exomes below 0.00001; TOPMed below 0.00001.
gnomAD v4.1: 3 of 1,614,258 alleles (0.00019%); highest among the groups gnomAD compares: African/African-American, 0.0013%; no homozygotes.

Submission:

Labcorp Genetics (formerly Invitae), Labcorp
Classification: Uncertain significance for Autosomal recessive early-onset Parkinson disease 6. Last evaluated: 2022-08-07. Review status: criteria provided, single submitter. Criteria: Invitae Variant Classification Sherloc (09022015). Collection method: clinical testing. Allele origin: germline.
Comment: This sequence change affects codon 452 of the PINK1 mRNA. It is a 'silent' change, meaning that it does not change the encoded amino acid sequence of the PINK1 protein. In summary, the available evidence is currently insufficient to determine the role of this variant in disease. Therefore, it has been classified as a Variant of Uncertain Significance. Algorithms developed to predict the effect of sequence changes on RNA splicing suggest that this variant may create or strengthen a splice site. This variant has not been reported in the literature in individuals affected with PINK1-related conditions. This variant is not present in population databases (gnomAD no frequency).

NM_032409.3(PINK1):c.1356C>T (p.Pro452=)

Genes: PINK1 (PTEN induced kinase 1; plus strand), PINK1-AS (PINK1 antisense RNA; minus strand). Cytogenetic location: 1p36.12.
Variant type: single nucleotide variant.
Coding change: c.1356C>T on transcript NM_032409.3 (MANE Select); coding-DNA position 1356, C replaced by T.
Protein change: p.Pro452=; no amino-acid change (proline 452 retained).
Molecular consequence: synonymous variant. On other transcripts: non-coding transcript variant (1).
Genome position (GRCh38, 1-based): chr1:20,649,099, C>T. VCF-style: chr1-20649099-C-T. GRCh37 (hg19) VCF-style: chr1-20975592-C-T.
Identifiers: ClinVar variation 2165893 (VCV002165893.4), dbSNP rs2053230886, ClinGen allele CA416674967.